The following is an entry in ClinVar:

NM_001042492.3(NF1):c.2693T>A (p.Leu898Gln)

Gene: NF1 (neurofibromin 1; plus strand). Cytogenetic location: 17q11.2.
Variant type: single nucleotide variant.
Coding change: c.2693T>A on transcript NM_001042492.3 (MANE Select); coding-DNA position 2693, T replaced by A.
Protein change: p.Leu898Gln; replaces leucine 898 with glutamine.
Molecular consequence: missense variant.
Genome position (GRCh38, 1-based): chr17:31,229,308, T>A. VCF-style: chr17-31229308-T-A. GRCh37 (hg19) VCF-style: chr17-29556326-T-A.
Other names: c.2693T>A, p.Leu898Gln (NM_000267.4); short protein forms L898Q.
Identifiers: ClinVar variation 1480152 (VCV001480152.9), dbSNP rs199474786, ClinGen allele CA398984989.

ClinVar aggregate classification (germline): Likely pathogenic. Review status: criteria provided, multiple submitters, no conflicts (2 of 4 stars). 2 submissions from 2 submitters: Likely pathogenic (2). Last evaluated 2026-08-06.

Conditions:
Neurofibromatosis, type 1 (NF1). Also called: VON RECKLINGHAUSEN DISEASE; NEUROFIBROMATOSIS, TYPE I, SOMATIC; Neurofibromatosis, type I; Peripheral type neurofibromatosis. Identifiers: Orphanet 636, MedGen C0027831, MONDO:0018975, OMIM 162200. Disease mechanism: loss of function.

Submissions (2):

Plataforma de Genómica Funcional - SJD, Institut De Recerca Sant Joan De Déu
Classification: Likely pathogenic for Neurofibromatosis, type 1. Last evaluated: 2026-08-06. Review status: criteria provided, single submitter. Criteria: ACMG Guidelines, 2015. Collection method: research. Allele origin: de novo. Affected: yes.
Comment: The c.2693T>A variant (NM_001042492.3) in NF1 is a missense variant predicted to cause an amino acid change substitution of leucine by glutamine at position 898 in the protein sequence (p.Leu898Gln). The variant is absent from gnomAD v2.1 (PM2_Supporting). The computational predictor REVEL, AlphaMissense, and CADD unanimously support a deleterious effect on the gene (REVEL score: 0.94, AlphaMissense score: 0.962, CADD score: 26.8) (PP3). In silico prediction with FoldX supports this deleterious effect (FoldX ΔΔG > 2 kcal/mol). Different amino acid changes as known pathogenic variants have been reported (ClinVar Accession IDs: VCV000863165.6, VCV000068326.21; PM5). NF1 has a missense Z-score in gnomAD v2.1 of 6.54 which is above the threshold set by the ClinGen SVI guidelines (PP2). In summary, this variant meets the criteria to be classified as Likely Pathogenic based on the ACMG/AMP criteria applied (PM2_Supporting, PP3, PS2, PM5, PP2).

Labcorp Genetics (formerly Invitae), Labcorp
Classification: Likely pathogenic for Neurofibromatosis, type 1. Last evaluated: 2021-04-25. Review status: criteria provided, single submitter. Criteria: Invitae Variant Classification Sherloc (09022015). Collection method: clinical testing. Allele origin: germline.
Comment: In summary, the currently available evidence indicates that the variant is pathogenic, but additional data are needed to prove that conclusively. Therefore, this variant has been classified as Likely Pathogenic. This variant disrupts the p.Leu898 amino acid residue in NF1. Other variant(s) that disrupt this residue have been determined to be pathogenic (PMID: 21512413, 29415745, 9150739, 29685074, 20605257, 24676943). This suggests that this residue is clinically significant, and that variants that disrupt this residue are likely to be disease-causing. Algorithms developed to predict the effect of sequence changes on RNA splicing suggest that this variant may create or strengthen a splice site, but this prediction has not been confirmed by published transcriptional studies. Advanced modeling of protein sequence and biophysical properties (such as structural, functional, and spatial information, amino acid conservation, physicochemical variation, residue mobility, and thermodynamic stability) performed at Invitae indicates that this missense variant is expected to disrupt NF1 protein function. This variant has not been reported in the literature in individuals with NF1-related conditions. This variant is not present in population databases (ExAC no frequency). This sequence change replaces leucine with glutamine at codon 898 of the NF1 protein (p.Leu898Gln). The leucine residue is moderately conserved and there is a moderate physicochemical difference between leucine and glutamine.

Literature cited by the submitters: PubMed 21512413 (cited by Labcorp Genetics (formerly Invitae), Labcorp); PubMed 29415745 (cited by Labcorp Genetics (formerly Invitae), Labcorp); PubMed 9150739 (cited by Labcorp Genetics (formerly Invitae), Labcorp); PubMed 29685074 (cited by Labcorp Genetics (formerly Invitae), Labcorp); PubMed 20605257 (cited by Labcorp Genetics (formerly Invitae), Labcorp); PubMed 24676943 (cited by Labcorp Genetics (formerly Invitae), Labcorp).